The following is an entry in ClinVar:

ClinVar aggregate classification (germline): Uncertain significance (1 of 4 stars; one submission).

gnomAD v4.1: 5 of 1,613,412 alleles (0.00031%); highest among the groups gnomAD compares: Admixed American, 0.0033%; no homozygotes.

Submission:

Labcorp Genetics (formerly Invitae), Labcorp
Classification: Uncertain significance. Last evaluated: 2024-07-15. Review status: criteria provided, single submitter. Criteria: Invitae Variant Classification Sherloc (09022015). Collection method: clinical testing. Allele origin: germline.
Comment: This sequence change replaces histidine, which is basic and polar, with glutamine, which is neutral and polar, at codon 57 of the CLDN14 protein (p.His57Gln). This variant is present in population databases (no rsID available, gnomAD 0.006%). This variant has not been reported in the literature in individuals affected with CLDN14-related conditions. An algorithm developed to predict the effect of missense changes on protein structure and function outputs the following: PolyPhen-2: "Benign". The glutamine amino acid residue is found in multiple mammalian species, which suggests that this missense change does not adversely affect protein function. In summary, the available evidence is currently insufficient to determine the role of this variant in disease. Therefore, it has been classified as a Variant of Uncertain Significance.

NM_001146079.2(CLDN14):c.171C>A (p.His57Gln)

Genes: CLDN14 (claudin 14; minus strand), CLDN14-AS1 (CLDN14 antisense RNA 1; plus strand). Cytogenetic location: 21q22.13.
Variant type: single nucleotide variant.
Coding change: c.171C>A on transcript NM_001146079.2 (MANE Select); coding-DNA position 171, C replaced by A.
Protein change: p.His57Gln; replaces histidine 57 with glutamine.
Molecular consequence: missense variant.
Genome position (GRCh38, 1-based): chr21:36,461,525, G>T on the plus strand (C>A on the coding strand, the complement: CLDN14 is on the minus strand). VCF-style: chr21-36461525-G-T. GRCh37 (hg19) VCF-style: chr21-37833823-G-T.
Other names: c.171C>A, p.His57Gln (NM_001146077.2, NM_001146078.3, NM_012130.4 and 1 more transcripts); short protein forms H57Q.
Identifiers: ClinVar variation 3673810 (VCV003673810.2).